The following is an entry in ClinVar:

NM_006015.6(ARID1A):c.1800G>A (p.Pro600=)

Gene: ARID1A (AT-rich interaction domain 1A; plus strand). Cytogenetic location: 1p36.11.
Variant type: single nucleotide variant.
Coding change: c.1800G>A on transcript NM_006015.6 (MANE Select); coding-DNA position 1800, G replaced by A.
Protein change: p.Pro600=; no amino-acid change (proline 600 retained).
Molecular consequence: synonymous variant.
Genome position (GRCh38, 1-based): chr1:26,731,601, G>A. VCF-style: chr1-26731601-G-A. GRCh37 (hg19) VCF-style: chr1-27058092-G-A.
Other names: c.1800G>A, p.Pro600= (NM_139135.4).
Identifiers: ClinVar variation 2723867 (VCV002723867.5), dbSNP rs369425182, ClinGen allele CA706846.
Genomic context (GRCh38, chr1:26,731,601, plus strand): 5'-TCAGCCCCAGTCTCAGCAGTCCCAGCAAACTGCCTATTCCCAGCAGCGCTTCCCTCCACC[G>A]CAGGTAAGATATCCCTGCCTCCTGCCCTTCCCTGTGTGTGACTACAGACAGCTTGGGGGT-3'
Protein context (NP_006006.3, residues 590-610): TAYSQQRFPP[Pro600=]QELSQDSFGS

ClinVar aggregate classification (germline): Likely benign. Review status: criteria provided, multiple submitters, no conflicts (2 of 4 stars). 3 submissions from 3 submitters: Likely benign (3). Last evaluated 2026-08-01.

Conditions:
ARID1A-related disorder. Also called: ARID1A-related condition.

Allele frequency attached by ClinVar (database versions not stated): gnomAD 0.00005; ExAC 0.00006; TOPMed 0.00007; ESP Exome Variant Server 0.00015.
gnomAD v4.1: 138 of 1,612,866 alleles (0.0086%); highest among the groups gnomAD compares: Non-Finnish European, 0.011%; no homozygotes.

Submissions (3):

CeGaT Center for Human Genetics Tuebingen
Classification: Likely benign. Last evaluated: 2026-08-01. Review status: criteria provided, single submitter. Criteria: CeGaT Center For Human Genetics Tuebingen Variant Classification Criteria Version 2. Collection method: clinical testing. Allele origin: germline. Affected: yes. Observed: 1 variant allele.
Comment: ARID1A: BP4, BP7

PreventionGenetics, part of Exact Sciences
Classification: Likely benign for ARID1A-related condition. Last evaluated: 2025-10-03. Review status: criteria provided, single submitter. Criteria: ACMG Guidelines, 2015. Collection method: clinical testing. Allele origin: germline.
Comment: This variant is classified as likely benign based on ACMG/AMP sequence variant interpretation guidelines (Richards et al. 2015 PMID: 25741868, with internal and published modifications).

Labcorp Genetics (formerly Invitae), Labcorp
Classification: Likely benign. Last evaluated: 2025-08-29. Review status: criteria provided, single submitter. Criteria: Invitae Variant Classification Sherloc (09022015). Collection method: clinical testing. Allele origin: germline.